The following is an entry in ClinVar:

ClinVar aggregate classification (germline): Pathogenic (1 of 4 stars; one submission).

Conditions:
Microcephaly with or without chorioretinopathy, lymphedema, or impaired intellectual development. Also called: MICROCEPHALY, LYMPHEDEMA, CHORIORETINAL DYSPLASIA SYNDROME; MICROCEPHALY AND CHORIORETINOPATHY WITH OR WITHOUT MENTAL RETARDATION, AUTOSOMAL DOMINANT; Microcephaly lymphedema chorioretinal dysplasia; Microcephaly with or without chorioretinopathy, lymphedema, or mental retardation; Microcephaly with or without chorioretinopathy, lymphedema, or intellectual disability. Identifiers: Orphanet 2526, MedGen C1835265, MONDO:0007918, OMIM 152950.

Submission:

Victorian Clinical Genetics Services, Murdoch Childrens Research Institute
Classification: Pathogenic for Microcephaly with or without chorioretinopathy, lymphedema, or impaired intellectual development. Last evaluated: 2022-02-02. Review status: criteria provided, single submitter. Criteria: ACMG Guidelines, 2015. Collection method: clinical testing. Allele origin: germline. Inheritance: Autosomal dominant inheritance.
Comment: Based on the classification scheme VCGS_Germline_v1.1.1, this variant is classified as 5-Pathogenic. Following criteria are met: 0102 - Loss-of-function is a known mechanism of disease for this gene. (N) 0107 - This gene is known to be associated with autosomal dominant disease. (N) 0112 - Variants in this gene are known to have reduced penetrance (PMID: 27212378; 24281367). (N) 0201 - Variant is predicted to cause nonsense-mediated decay (NMD) and loss of protein (exon 3 of 22). (P) 0251 - Variant is heterozygous. (N) 0301 - Variant is absent from gnomAD. (P) 0701 - Comparable variants have very strong previous evidence for pathogenicity (PMID: 27212378; 24281367). (P) 0807 - Variant has not previously been reported in a clinical context. (N) 0905 - No segregation evidence has been identified for this variant in the literature. (N) 1007 - No published functional evidence has been identified for this variant. (N) 1208 - Inheritance information for this variant is not currently available. (N) Legend: (P) - Pathogenic, (N) - Neutral, (B) - Benign

Literature cited by the submitters: PubMed 24281367; PubMed 27212378.

NM_004523.4(KIF11):c.253_260delinsTTGTTCA (p.Val85fs)

Gene: KIF11 (kinesin family member 11; plus strand). Cytogenetic location: 10q23.33.
Variant type: Indel.
Coding change: c.253_260delinsTTGTTCA on transcript NM_004523.4 (MANE Select); coding-DNA positions 253 to 260, GTTGTTTG replaced by TTGTTCA.
Protein change: p.Val85fs; shifts the reading frame from valine 85.
Molecular consequence: frameshift variant.
Genome position (GRCh38, 1-based): chr10:92,606,661-92,606,668, GTTGTTTG replaced by TTGTTCA. VCF-style: chr10-92606661-GTTGTTTG-TTGTTCA. GRCh37 (hg19) VCF-style: chr10-94366418-GTTGTTTG-TTGTTCA.
Other names: short protein forms V85fs.
Identifiers: ClinVar variation 1805660 (VCV001805660.1), dbSNP rs2492476596, ClinGen allele CA2573050698.
Genomic context (GRCh38, chr10:92,606,661, plus strand): 5'-TTTAATTTTTTTCGTTAGGTGTTTGGAGCATCTACTAAACAGATTGATGTTTACCGAAGT[GTTGTTTG>TTGTTCA]TCCAATTCTGGATGAAGTTATTATGGGCTATAATTGCACTATCTTTGCGTAAGTAAAAGG-3'